The following is an entry in ClinVar:

NM_031372.4(HNRNPDL):c.293C>G (p.Ser98Cys)

Gene: HNRNPDL (heterogeneous nuclear ribonucleoprotein D like; minus strand). Cytogenetic location: 4q21.22.
Variant type: single nucleotide variant.
Coding change: c.293C>G on transcript NM_031372.4 (MANE Select); coding-DNA position 293, C replaced by G.
Protein change: p.Ser98Cys; replaces serine 98 with cysteine.
Molecular consequence: missense variant. On other transcripts: non-coding transcript variant (1).
Genome position (GRCh38, 1-based): chr4:82,429,398, G>C on the plus strand (C>G on the coding strand, the complement: HNRNPDL is on the minus strand). VCF-style: chr4-82429398-G-C. GRCh37 (hg19) VCF-style: chr4-83350551-G-C.
Other names: c.293C>G, p.Ser98Cys (NM_001207000.1); short protein forms S98C.
Identifiers: ClinVar variation 2131139 (VCV002131139.4), dbSNP rs781616451, ClinGen allele CA2985074.
Genomic context (GRCh38, chr4:82,429,398, plus strand): 5'-ACGGAGCTGTCGGCAGGGGGGTGCTGGCGCGCAGTCCGGGTCGCGGCAGCAGCGGCGGCG[G>C]AGCGTTGTATGGAGCTGGATTTAAAATGGCGGCGGAAGAGATCCGGGCGCCGCCTGCGCC-3'
Protein context (NP_112740.1, residues 88-108): RHFKSSSIQR[Ser98Cys]AAAAAATRTA

ClinVar aggregate classification (germline): Uncertain significance (1 of 4 stars; one submission).

Conditions:
Autosomal dominant limb-girdle muscular dystrophy type 1G (LGMDD3). Also called: MUSCULAR DYSTROPHY, LIMB-GIRDLE, AUTOSOMAL DOMINANT 3; Limb-girdle muscular dystrophy, type 1G. Identifiers: Orphanet 55596, MedGen C1836765, MONDO:0012193, OMIM 609115.

Allele frequency attached by ClinVar (database versions not stated): ExAC 0.00001; TOPMed 0.00001.
gnomAD v4.1: 2 of 1,613,460 alleles (0.00012%); highest among the groups gnomAD compares: Non-Finnish European, 0.00017%; no homozygotes.

Submission:

Labcorp Genetics (formerly Invitae), Labcorp
Classification: Uncertain significance for Autosomal dominant limb-girdle muscular dystrophy type 1G. Last evaluated: 2022-07-04. Review status: criteria provided, single submitter. Criteria: Invitae Variant Classification Sherloc (09022015). Collection method: clinical testing. Allele origin: germline.
Comment: This sequence change replaces serine, which is neutral and polar, with cysteine, which is neutral and slightly polar, at codon 98 of the HNRNPDL protein (p.Ser98Cys). This variant is present in population databases (rs781616451, gnomAD 0.002%). This variant has not been reported in the literature in individuals affected with HNRNPDL-related conditions. Algorithms developed to predict the effect of missense changes on protein structure and function are either unavailable or do not agree on the potential impact of this missense change (SIFT: "Deleterious"; PolyPhen-2: "Possibly Damaging"; Align-GVGD: "Class C0"). In summary, the available evidence is currently insufficient to determine the role of this variant in disease. Therefore, it has been classified as a Variant of Uncertain Significance.